The following is an entry in ClinVar:

ClinVar aggregate classification (germline): Uncertain significance. Review status: criteria provided, multiple submitters, no conflicts (2 of 4 stars). 2 submissions from 2 submitters: Uncertain significance (2). Last evaluated 2022-05-04.

Conditions:
Muscular dystrophy-dystroglycanopathy (congenital with impaired intellectual development), type B, 14. Also called: Congenital muscular dystrophy-dystroglycanopathy with mental retardation, type B14; MUSCULAR DYSTROPHY, CONGENITAL, GMPPB-RELATED; Muscular dystrophy-dystroglycanopathy (congenital with intellectual disability), type B14. Identifiers: MedGen C3809221, MONDO:0014141, OMIM 615351.
Autosomal recessive limb-girdle muscular dystrophy type 2T. Also called: Limb-girdle muscular dystrophy-dystroglycanopathy, type C14; MUSCULAR DYSTROPHY-DYSTROGLYCANOPATHY, LIMB-GIRDLE, GMPPB-RELATED; MUSCULAR DYSTROPHY, LIMB-GIRDLE, TYPE 2T; Muscular dystrophy-dystroglycanopathy (limb-girdle), type c, 14. Identifiers: Orphanet 363623, MedGen C4518000, MONDO:0014142, OMIM 615352.
Muscular dystrophy-dystroglycanopathy (congenital with brain and eye anomalies), type A14. Also called: Congenital muscular dystrophy-dystroglycanopathy with brain and eye anomalies, type A14; WALKER-WARBURG SYNDROME OR MUSCLE-EYE-BRAIN DISEASE, GMPPB-RELATED; Muscular dystrophy-dystroglycanopathy (congenital with brain and eye anomalies), type a, 14; Congenital Muscular Dystrophy-Dystroglycanopathy with Brain and Eye Anomalies Type A 14. Identifiers: Orphanet 588, MedGen C3809216, MONDO:0014140, OMIM 615350.

Submissions (2):

Kariminejad - Najmabadi Pathology & Genetics Center
Classification: Uncertain significance for Muscular dystrophy-dystroglycanopathy (congenital with impaired intellectual development), type B, 14; Autosomal recessive limb-girdle muscular dystrophy type 2T. Last evaluated: 2022-05-04. Review status: criteria provided, single submitter. Criteria: ACMG Guidelines, 2015. Collection method: clinical testing. Allele origin: germline. Inheritance: Autosomal recessive inheritance. Affected: yes.
Comment: PM2

Labcorp Genetics (formerly Invitae), Labcorp
Classification: Uncertain significance for Autosomal recessive limb-girdle muscular dystrophy type 2T; Muscular dystrophy-dystroglycanopathy (congenital with brain and eye anomalies), type A14; Muscular dystrophy-dystroglycanopathy (congenital with impaired intellectual development), type B, 14. Last evaluated: 2020-08-29. Review status: criteria provided, single submitter. Criteria: Invitae Variant Classification Sherloc (09022015). Collection method: clinical testing. Allele origin: germline.
Comment: This sequence change replaces valine with phenylalanine at codon 197 of the GMPPB protein (p.Val197Phe). The valine residue is weakly conserved and there is a small physicochemical difference between valine and phenylalanine. This variant is not present in population databases (ExAC no frequency). This variant has been observed in individual(s) with clinical features of congenital myasthenic syndrome (Invitae). Algorithms developed to predict the effect of missense changes on protein structure and function are either unavailable or do not agree on the potential impact of this missense change (SIFT: "Deleterious"; PolyPhen-2: "Benign"; Align-GVGD: "Class C0"). In summary, the available evidence is currently insufficient to determine the role of this variant in disease. Therefore, it has been classified as a Variant of Uncertain Significance.

NM_021971.4(GMPPB):c.589G>T (p.Val197Phe)

Gene: GMPPB (GDP-mannose pyrophosphorylase B; minus strand). Cytogenetic location: 3p21.31.
Variant type: single nucleotide variant.
Coding change: c.589G>T on transcript NM_021971.4 (MANE Select); coding-DNA position 589, G replaced by T.
Protein change: p.Val197Phe; replaces valine 197 with phenylalanine.
Molecular consequence: missense variant.
Genome position (GRCh38, 1-based): chr3:49,722,483, C>A on the plus strand (G>T on the coding strand, the complement: GMPPB is on the minus strand). VCF-style: chr3-49722483-C-A. GRCh37 (hg19) VCF-style: chr3-49759916-C-A.
Other names: c.589G>T, p.Val197Phe (NM_013334.4); short protein forms V197F.
Identifiers: ClinVar variation 843614 (VCV000843614.8), dbSNP rs2080431779, ClinGen allele CA352828469.
Genomic context (GRCh38, chr3:49,722,483, plus strand): 5'-CTGCCTCACCCTGTAACTCCATGGCATATAGCTGCCCCTCCTTGGCCATAATGGGGAAGA[C>A]CTCCTTCTCAATGGACGTAGGCTGCAGCTGTGGGAGTGGGCAGCTTGTGAGCAGGGTCAT-3'
Protein context (NP_068806.2, residues 187-207): QLQPTSIEKE[Val197Phe]FPIMAKEGQL